The following is an entry in ClinVar:

ClinVar aggregate classification (germline): Pathogenic (1 of 4 stars; one submission).

Conditions:
BAP1-related tumor predisposition syndrome (TPDS1). Also called: Tumor susceptibility linked to germline BAP1 mutations; TUMOR PREDISPOSITION SYNDROME 1; BAP1 tumor predisposition syndrome; COMMON Syndrome. Identifiers: Orphanet 289539, MedGen C3280492, MONDO:0013692, OMIM 614327.

Submission:

Labcorp Genetics (formerly Invitae), Labcorp
Classification: Pathogenic for BAP1-related tumor predisposition syndrome. Last evaluated: 2023-09-08. Review status: criteria provided, single submitter. Criteria: Invitae Variant Classification Sherloc (09022015). Collection method: clinical testing. Allele origin: germline.
Comment: This sequence change creates a premature translational stop signal (p.Ile87Thrfs*38) in the BAP1 gene. It is expected to result in an absent or disrupted protein product. Loss-of-function variants in BAP1 are known to be pathogenic (PMID: 21874000, 23684012). For these reasons, this variant has been classified as Pathogenic. This variant has not been reported in the literature in individuals affected with BAP1-related conditions. This variant is not present in population databases (gnomAD no frequency).

Literature cited by the submitters: PubMed 21874000; PubMed 23684012.

NM_004656.4(BAP1):c.260_261del (p.Ile87fs)

Gene: BAP1 (BRCA1 associated deubiquitinase 1; minus strand). Cytogenetic location: 3p21.1.
Variant type: Deletion.
Coding change: c.260_261del on transcript NM_004656.4 (MANE Select); coding-DNA positions 260 to 261, 2 bases deleted (TA; older notation c.260_261delTA).
Protein change: p.Ile87fs; shifts the reading frame from isoleucine 87.
Molecular consequence: frameshift variant.
Genome position (GRCh38, 1-based): chr3:52,408,072-52,408,073, TA deleted on the plus strand (TA on the coding strand, the reverse complement: BAP1 is on the minus strand); deleting any 2 consecutive bases within chr3:52,408,072-52,408,074 gives the same sequence; the c. name uses the placement nearest the transcript's 3' end. VCF-style (leftmost placement, unchanged base first): chr3-52408071-GTA-G. GRCh37 (hg19) VCF-style: chr3-52442087-GTA-G.
Other names: c.260_261del, p.Ile87fs (NM_001410772.1); short protein forms I87fs.
Identifiers: ClinVar variation 2853554 (VCV002853554.3), dbSNP rs2471355388, ClinGen allele CA2739279194.